The following is an entry in ClinVar:

ClinVar aggregate classification (germline): Conflicting classifications of pathogenicity. Review status: criteria provided, conflicting classifications (1 of 4 stars). 6 submissions from 6 submitters: Uncertain significance (2); Likely benign (3). 1 of the submissions does not count toward it. Last evaluated 2026-01-20.

Conditions:
Autosomal recessive polycystic kidney disease (ARPKD). Also called: AR polycystic kidney disease. Identifiers: Orphanet 731, Orphanet 8378, MedGen C0085548, MeSH D017044, MONDO:0009889.

Allele frequency attached by ClinVar (database versions not stated): 1000 Genomes Project 30x 0.00016; 1000 Genomes Project 0.00020; gnomAD exomes 0.00013 and 0.00005; ExAC 0.00012; gnomAD 0.00041; TOPMed 0.00057; ESP Exome Variant Server 0.00077.
gnomAD v4.1: 153 of 1,611,776 alleles (0.0095%); highest among the groups gnomAD compares: African/African-American, 0.19%; 1 homozygote.

Submissions (6):

Labcorp Genetics (formerly Invitae), Labcorp
Classification: Likely benign for Autosomal recessive polycystic kidney disease. Last evaluated: 2026-01-20. Review status: criteria provided, single submitter. Criteria: Invitae Variant Classification Sherloc (09022015). Collection method: clinical testing. Allele origin: germline.

Mayo Clinic Laboratories, Mayo Clinic
Classification: Likely benign. Last evaluated: 2024-09-30. Review status: criteria provided, single submitter. Criteria: ACMG Guidelines, 2015. Collection method: clinical testing. Allele origin: germline. Observed: 2 variant alleles.
Comment: BP4, PM2_supporting

Illumina Laboratory Services, Illumina
Classification: Uncertain significance for Polycystic kidney disease 4. Last evaluated: 2018-01-12. Review status: criteria provided, single submitter. Criteria: ICSL Variant Classification Criteria 13 December 2019. Collection method: clinical testing. Allele origin: germline.

Eurofins Ntd Llc (ga)
Classification: Uncertain significance. Last evaluated: 2017-07-14. Review status: criteria provided, single submitter. Criteria: EGL Classification Definitions 2015. Collection method: clinical testing. Allele origin: germline. Observed: 3 variant alleles, 3 heterozygotes.

PreventionGenetics, part of Exact Sciences
Classification: Likely benign. Review status: criteria provided, single submitter. Criteria: ACMG Guidelines, 2015. Collection method: clinical testing. Allele origin: germline.

Natera, Inc.
Classification: Likely benign for Autosomal recessive polycystic kidney disease. Last evaluated: 2018-06-01. Review status: no assertion criteria provided. Collection method: clinical testing. Allele origin: germline. Not counted in ClinVar's aggregate classification.

NM_138694.4(PKHD1):c.6774A>C (p.Val2258=)

Gene: PKHD1 (PKHD1 ciliary IPT domain containing fibrocystin/polyductin; minus strand). Cytogenetic location: 6p12.2.
Variant type: single nucleotide variant.
Coding change: c.6774A>C on transcript NM_138694.4 (MANE Select); coding-DNA position 6774, A replaced by C.
Protein change: p.Val2258=; no amino-acid change (valine 2258 retained).
Molecular consequence: synonymous variant.
Genome position (GRCh38, 1-based): chr6:51,906,249, T>G on the plus strand (A>C on the coding strand, the complement: PKHD1 is on the minus strand). VCF-style: chr6-51906249-T-G. GRCh37 (hg19) VCF-style: chr6-51771047-T-G.
Other names: p.Val2258=; c.6774A>C, p.Val2258= (NM_170724.3).
Identifiers: ClinVar variation 262410 (VCV000262410.26), dbSNP rs34796823, ClinGen allele CA3852185.